The following is an entry in ClinVar:

NM_003024.3(ITSN1):c.3937_3941dup (p.Met1314fs)

Gene: ITSN1 (intersectin 1; plus strand). Cytogenetic location: 21q22.11.
Variant type: Duplication.
Coding change: c.3937_3941dup on transcript NM_003024.3 (MANE Select); coding-DNA positions 3937 to 3941, 5 bases duplicated (AAGAT; older notation c.3937_3941dupAAGAT).
Protein change: p.Met1314fs; shifts the reading frame from methionine 1314.
Molecular consequence: frameshift variant.
Genome position (GRCh38, 1-based): chr21:33,865,197-33,865,201, AAGAT duplicated. VCF-style (leftmost placement, unchanged base first): chr21-33865196-G-GAAGAT. GRCh37 (hg19) VCF-style: chr21-35237500-G-GAAGAT.
Other names: c.3922_3926dup, p.Met1309fs (NM_001331010.2); short protein forms M1309fs, M1314fs.
Identifiers: ClinVar variation 2576126 (VCV002576126.1), dbSNP rs2518546478, ClinGen allele CA2580616383.
Genomic context (GRCh38, chr21:33,865,196, plus strand): 5'-CGTGTTTCCGTGCAGAGCGCTGAGAGTCCGCAAGAAGATGTCCGGGGAGAAGATGCCTGT[G>GAAGAT]AAGATGATTGGAGACATCCTGAGCGCACAGCTGCCGCACATGCAGCCCTACATCCGCTTC-3'

ClinVar aggregate classification (germline): Likely pathogenic (1 of 4 stars; one submission).

Submission:

Institute for Clinical Genetics, University Hospital TU Dresden, University Hospital TU Dresden
Classification: Likely pathogenic. Last evaluated: 2022-09-02. Review status: criteria provided, single submitter. Criteria: ACMG Guidelines, 2015. Collection method: clinical testing. Allele origin: paternal.
Comment: PVS1, PM2_SUP